The following is an entry in ClinVar:

ClinVar aggregate classification (germline): Likely benign (1 of 4 stars; one submission).

gnomAD v4.1: 2 of 1,614,066 alleles (0.00012%); highest among the groups gnomAD compares: African/African-American, 0.0013%; no homozygotes.

Submission:

CeGaT Center for Human Genetics Tuebingen
Classification: Likely benign. Last evaluated: 2026-03-01. Review status: criteria provided, single submitter. Criteria: CeGaT Center For Human Genetics Tuebingen Variant Classification Criteria Version 2. Collection method: clinical testing. Allele origin: germline. Affected: yes. Observed: 1 variant allele.
Comment: DYNC1H1: BP4, BP7

NM_001376.5(DYNC1H1):c.11898G>C (p.Pro3966=)

Gene: DYNC1H1 (dynein cytoplasmic 1 heavy chain 1; plus strand). Cytogenetic location: 14q32.31.
Variant type: single nucleotide variant.
Coding change: c.11898G>C on transcript NM_001376.5 (MANE Select); coding-DNA position 11898, G replaced by C.
Protein change: p.Pro3966=; no amino-acid change (proline 3966 retained).
Molecular consequence: synonymous variant.
Genome position (GRCh38, 1-based): chr14:102,040,630, G>C. VCF-style: chr14-102040630-G-C. GRCh37 (hg19) VCF-style: chr14-102506967-G-C.
Identifiers: ClinVar variation 4822257 (VCV004822257.4).